The following is an entry in ClinVar:

ClinVar aggregate classification (germline): Uncertain significance (1 of 4 stars; one submission).

Conditions:
Early onset severe obesity. Identifiers: MedGen C4013980.

gnomAD v4.1: 4 of 1,613,914 alleles (0.00025%); highest among the groups gnomAD compares: Non-Finnish European, 0.00034%; no homozygotes.

Submission:

Cambridge Genomics Laboratory, East Genomic Laboratory Hub, NHS Genomic Medicine Service
Classification: Uncertain significance for Severe early-onset obesity. Last evaluated: 2025-02-21. Review status: criteria provided, single submitter. Criteria: ACGS Best Practice Guidelines for Variant Classification in Rare Disease 2020. Collection method: clinical testing. Allele origin: germline. Affected: yes.
Comment: PM2,BP4

NM_005068.3(SIM1):c.2269G>A (p.Gly757Arg)

Gene: SIM1 (SIM bHLH transcription factor 1; minus strand). Cytogenetic location: 6q16.3.
Variant type: single nucleotide variant.
Coding change: c.2269G>A on transcript NM_005068.3 (MANE Select); coding-DNA position 2269, G replaced by A.
Protein change: p.Gly757Arg; replaces glycine 757 with arginine.
Molecular consequence: missense variant.
Genome position (GRCh38, 1-based): chr6:100,390,393, C>T on the plus strand (G>A on the coding strand, the complement: SIM1 is on the minus strand). VCF-style: chr6-100390393-C-T. GRCh37 (hg19) VCF-style: chr6-100838269-C-T.
Other names: c.2269G>A, p.Gly757Arg (NM_001374769.1); short protein forms G757R.
Identifiers: ClinVar variation 4683073 (VCV004683073.1).
Genomic context (GRCh38, chr6:100,390,393, plus strand): 5'-TTAAAGAACAAAATATTTCAGCAAAACATCAGCTTCCGTTGGTTATTATAACAGATGTTC[C>T]CTTGTGTCCTTGTGCTGGGTCTGGTTGCATCCTCAGATGGGAAGTTACATCAAAGTGTGA-3'
Protein context (NP_005059.2, residues 747-766): MQPDPAQGHK[Gly757Arg]TSVIITNGS